The following is an entry in ClinVar:

ClinVar aggregate classification (germline): Conflicting classifications of pathogenicity. Review status: criteria provided, conflicting classifications (1 of 4 stars). 4 submissions from 4 submitters: Uncertain significance (1); Benign (1); Likely benign (2). Last evaluated 2025-08-10.

Conditions:
Hereditary cancer-predisposing syndrome. Also called: Hereditary Cancer Syndrome; Neoplastic Syndromes, Hereditary; Tumor predisposition; Hereditary neoplastic syndrome. Identifiers: Orphanet 140162, MedGen C0027672, MeSH D009386, MONDO:0015356.
Ataxia-telangiectasia syndrome (AT). Also called: Cerebello-oculocutaneous telangiectasia; Immunodeficiency with ataxia telangiectasia; Ataxia-telangiectasia, complementation group E; Ataxia-telangiectasia, complementation group D; AT, COMPLEMENTATION GROUP C; ATAXIA-TELANGIECTASIA, COMPLEMENTATION GROUP A. Identifiers: Orphanet 100, MedGen C0004135, MONDO:0008840, OMIM 208900.
Familial cancer of breast. Also called: BREAST CANCER, FAMILIAL; Hereditary breast cancer; hereditary breast carcinoma. Identifiers: Orphanet 227535, MedGen C0346153, MONDO:0016419, OMIM 114480. Disease mechanism: loss of function.

Submissions (4):

Ambry Genetics
Classification: Likely benign for Hereditary cancer-predisposing syndrome. Last evaluated: 2025-08-10. Review status: criteria provided, single submitter. Criteria: Ambry Variant Classification Scheme 2023. Collection method: clinical testing. Allele origin: germline.

Labcorp Genetics (formerly Invitae), Labcorp
Classification: Likely benign for Ataxia-telangiectasia syndrome. Last evaluated: 2025-02-25. Review status: criteria provided, single submitter. Criteria: Invitae Variant Classification Sherloc (09022015). Collection method: clinical testing. Allele origin: germline.

Quest Diagnostics Nichols Institute San Juan Capistrano
Classification: Uncertain significance. Last evaluated: 2024-07-31. Review status: criteria provided, single submitter. Criteria: Quest Diagnostics criteria. Collection method: clinical testing. Allele origin: unknown.

Myriad Genetics, Inc.
Classification: Benign for Familial cancer of breast. Last evaluated: 2024-06-17. Review status: criteria provided, single submitter. Criteria: Myriad Autosomal Dominant, Autosomal Recessive and X-Linked Classification Criteria (2023). Collection method: clinical testing. Allele origin: unknown.
Comment: This variant is considered benign. This variant is a silent/synonymous amino acid change and it is not expected to impact splicing.

NM_000051.4(ATM):c.7917G>A (p.Lys2639=)

Genes: C11orf65 (chromosome 11 open reading frame 65; minus strand), ATM (ATM serine/threonine kinase; plus strand). Cytogenetic location: 11q22.3.
Variant type: single nucleotide variant.
Coding change: c.7917G>A on transcript NM_000051.4 (MANE Select); coding-DNA position 7917, G replaced by A.
Protein change: p.Lys2639=; no amino-acid change (lysine 2639 retained).
Molecular consequence: synonymous variant. On other transcripts: intron variant (2).
Genome position (GRCh38, 1-based): chr11:108,332,890, G>A. VCF-style: chr11-108332890-G-A. GRCh37 (hg19) VCF-style: chr11-108203617-G-A.
Other names: c.7917G>A, p.Lys2639= (NM_001351834.2); c.641-23819C>T (NM_001330368.2); c.*38+2330C>T (NM_001351110.2).
Identifiers: ClinVar variation 524454 (VCV000524454.12), dbSNP rs1555125501, ClinGen allele CA476677473.